The following is an entry in ClinVar:

ClinVar aggregate classification (germline): Likely benign (0 of 4 stars; one submission).

Conditions:
SLC10A1-related disorder. Also called: SLC10A1-related condition.

gnomAD v4.1: 10 of 1,614,006 alleles (0.00062%); highest among the groups gnomAD compares: Admixed American, 0.012%; no homozygotes.

Submission:

PreventionGenetics, part of Exact Sciences
Classification: Likely benign for SLC10A1-related condition. Last evaluated: 2024-08-29. Review status: no assertion criteria provided. Collection method: clinical testing. Allele origin: germline.
Comment: This variant is classified as likely benign based on ACMG/AMP sequence variant interpretation guidelines (Richards et al. 2015 PMID: 25741868, with internal and published modifications).

NM_003049.4(SLC10A1):c.474C>A (p.Gly158=)

Gene: SLC10A1 (solute carrier family 10 member 1; minus strand). Cytogenetic location: 14q24.1.
Variant type: single nucleotide variant.
Coding change: c.474C>A on transcript NM_003049.4 (MANE Select); coding-DNA position 474, C replaced by A.
Protein change: p.Gly158=; no amino-acid change (glycine 158 retained).
Molecular consequence: synonymous variant.
Genome position (GRCh38, 1-based): chr14:69,786,190, G>T on the plus strand (C>A on the coding strand, the complement: SLC10A1 is on the minus strand). VCF-style: chr14-69786190-G-T. GRCh37 (hg19) VCF-style: chr14-70252907-G-T.
Identifiers: ClinVar variation 3355991 (VCV003355991.1).